The following is an entry in ClinVar:

ClinVar aggregate classification (germline): Pathogenic (1 of 4 stars; one submission).

Conditions:
Lethal multiple pterygium syndrome (LMPS). Identifiers: Orphanet 33108, MedGen C1854678, MONDO:0009668, OMIM 253290.

Submission:

Labcorp Genetics (formerly Invitae), Labcorp
Classification: Pathogenic for Lethal multiple pterygium syndrome. Last evaluated: 2022-08-05. Review status: criteria provided, single submitter. Criteria: Invitae Variant Classification Sherloc (09022015). Collection method: clinical testing. Allele origin: germline.
Comment: For these reasons, this variant has been classified as Pathogenic. This variant has not been reported in the literature in individuals affected with CHRND-related conditions. This variant is not present in population databases (gnomAD no frequency). This sequence change creates a premature translational stop signal (p.Ala226Glyfs*19) in the CHRND gene. It is expected to result in an absent or disrupted protein product. Loss-of-function variants in CHRND are known to be pathogenic (PMID: 11435464, 25264167).

Literature cited by the submitters: PubMed 11435464; PubMed 25264167.

NM_000751.3(CHRND):c.677_766delinsGGGT (p.Ala226fs)

Gene: CHRND (cholinergic receptor nicotinic delta subunit; plus strand). Cytogenetic location: 2q37.1.
Variant type: Indel.
Coding change: c.677_766delinsGGGT on transcript NM_000751.3 (MANE Select); coding-DNA positions 677 to 766, the reference bases replaced by GGGT.
Protein change: p.Ala226fs; shifts the reading frame from alanine 226.
Molecular consequence: frameshift variant. On other transcripts: intron variant (1).
Genome position (GRCh38, 1-based): chr2:232,529,996-232,530,085, 90 bases replaced. GRCh37 (hg19): chr2:233,394,706-233,394,795.
Other names: c.632_721delinsGGGT, p.Ala211fs (NM_001256657.2); c.374_463delinsGGGT, p.Ala125fs (NM_001311196.2); c.238+1340_239-1267delinsGGGT (NM_001311195.2); short protein forms A125fs, A226fs, A211fs.
Identifiers: ClinVar variation 2014916 (VCV002014916.4), dbSNP rs2469723376, ClinGen allele CA2580066050.